The following is an entry in ClinVar:

ClinVar aggregate classification (germline): Uncertain significance. Review status: criteria provided, multiple submitters, no conflicts (2 of 4 stars). 2 submissions from 2 submitters: Uncertain significance (2). Last evaluated 2023-11-06.

Conditions:
Inborn genetic diseases. Identifiers: MedGen C0950123, MeSH D030342.

Allele frequency attached by ClinVar (database versions not stated): ExAC 0.00001; gnomAD exomes 0.00003; gnomAD 0.00012; TOPMed 0.00022.
gnomAD v4.1: 64 of 1,612,690 alleles (0.004%); highest among the groups gnomAD compares: Admixed American, 0.03%; no homozygotes.

Submissions (2):

Ambry Genetics
Classification: Uncertain significance for Inborn genetic diseases. Last evaluated: 2023-11-06. Review status: criteria provided, single submitter. Criteria: Ambry Variant Classification Scheme 2023. Collection method: clinical testing. Allele origin: germline.

Labcorp Genetics (formerly Invitae), Labcorp
Classification: Uncertain significance. Last evaluated: 2022-03-28. Review status: criteria provided, single submitter. Criteria: Invitae Variant Classification Sherloc (09022015). Collection method: clinical testing. Allele origin: germline.
Comment: This sequence change replaces arginine, which is basic and polar, with glutamine, which is neutral and polar, at codon 898 of the MYO5A protein (p.Arg898Gln). The frequency data for this variant in the population databases is considered unreliable, as metrics indicate poor data quality at this position in the gnomAD database. This variant has not been reported in the literature in individuals affected with MYO5A-related conditions. Algorithms developed to predict the effect of missense changes on protein structure and function are either unavailable or do not agree on the potential impact of this missense change (SIFT: "Tolerated"; PolyPhen-2: "Probably Damaging"; Align-GVGD: "Class C0"). Algorithms developed to predict the effect of sequence changes on RNA splicing suggest that this variant may create or strengthen a splice site. In summary, the available evidence is currently insufficient to determine the role of this variant in disease. Therefore, it has been classified as a Variant of Uncertain Significance.

NM_001382347.1(MYO5A):c.2693G>A (p.Arg898Gln)

Gene: MYO5A (myosin VA; minus strand). Cytogenetic location: 15q21.2.
Variant type: single nucleotide variant.
Coding change: c.2693G>A on transcript NM_001382347.1 (MANE Select); coding-DNA position 2693, G replaced by A.
Protein change: p.Arg898Gln; replaces arginine 898 with glutamine.
Molecular consequence: missense variant.
Genome position (GRCh38, 1-based): chr15:52,372,248, C>T on the plus strand (G>A on the coding strand, the complement: MYO5A is on the minus strand). VCF-style: chr15-52372248-C-T. GRCh37 (hg19) VCF-style: chr15-52664445-C-T.
Other names: c.2693G>A, p.Arg898Gln (NM_000259.3, NM_001142495.2, NM_001411135.1); c.2765G>A, p.Arg922Gln (NM_001382348.1, NM_001382349.1); short protein forms R898Q, R922Q.
Identifiers: ClinVar variation 2190969 (VCV002190969.2), dbSNP rs764683651, ClinGen allele CA7568623.
Genomic context (GRCh38, chr15:52,372,248, plus strand): 5'-TAGCGCTCCACTGAGCGAGCCTCGATTTTGAGCTTCTTTAGCTCACGCTTGGCCATCATC[C>T]GCCTGAAGCAGCACTGAAGGTAGATGATGGCATGCATGCTCCTCTTGTAGTGTGTGCGGG-3'
Protein context (NP_001369276.1, residues 888-908): AIIYLQCCFR[Arg898Gln]MMAKRELKKL